The following is an entry in ClinVar:

ClinVar aggregate classification (germline): Uncertain significance (1 of 4 stars; one submission).

gnomAD v4.1: 1 of 1,613,980 alleles (0.000062%); no homozygotes.

Submission:

Labcorp Genetics (formerly Invitae), Labcorp
Classification: Uncertain significance. Last evaluated: 2025-12-26. Review status: criteria provided, single submitter. Criteria: Invitae Variant Classification Sherloc (09022015). Collection method: clinical testing. Allele origin: germline.
Comment: This sequence change replaces glutamine, which is neutral and polar, with proline, which is neutral and non-polar, at codon 703 of the CTNNB1 protein (p.Gln703Pro). This variant is present in population databases (no rsID available, gnomAD 0.004%). This variant has not been reported in the literature in individuals affected with CTNNB1-related conditions. An algorithm developed to predict the effect of missense changes on protein structure and function (PolyPhen-2) suggests that this variant is likely to be tolerated. In summary, the available evidence is currently insufficient to determine the role of this variant in disease. Therefore, it has been classified as a Variant of Uncertain Significance.

NM_001904.4(CTNNB1):c.2108A>C (p.Gln703Pro)

Gene: CTNNB1 (catenin beta 1; plus strand). Cytogenetic location: 3p22.1.
Variant type: single nucleotide variant.
Coding change: c.2108A>C on transcript NM_001904.4 (MANE Select); coding-DNA position 2108, A replaced by C.
Protein change: p.Gln703Pro; replaces glutamine 703 with proline.
Molecular consequence: missense variant. On other transcripts: intron variant (2).
Genome position (GRCh38, 1-based): chr3:41,238,047, A>C. VCF-style: chr3-41238047-A-C. GRCh37 (hg19) VCF-style: chr3-41279538-A-C.
Other names: c.2108A>C, p.Gln703Pro (NM_001098209.2, NM_001098210.2, NM_001438871.1 and 2 more transcripts); c.2087A>C, p.Gln696Pro (NM_001330729.2); c.2076+1338A>C (NM_001438874.1, NM_001438875.1); short protein forms Q696P, Q703P.
Identifiers: ClinVar variation 4734224 (VCV004734224.1).
Genomic context (GRCh38, chr3:41,238,047, plus strand): 5'-TCTTCCTTGCTTTGTGCATGTTTATCTAGACTGCTGATCTTGGACTTGATATTGGTGCCC[A>C]GGGAGAACCCCTTGGATATCGCCAGGATGGTATGTGTCTCATATTTCTCGATTAACTCCA-3'
Protein context (NP_001895.1, residues 693-713): TADLGLDIGA[Gln703Pro]GEPLGYRQDD